The following is an entry in ClinVar:

ClinVar aggregate classification (germline): Uncertain significance (1 of 4 stars; one submission).

Submission:

Labcorp Genetics (formerly Invitae), Labcorp
Classification: Uncertain significance. Last evaluated: 2019-11-15. Review status: criteria provided, single submitter. Criteria: Invitae Variant Classification Sherloc (09022015). Collection method: clinical testing. Allele origin: germline.
Comment: A gross deletion of the genomic region encompassing the full coding sequence of the NEDD4L gene has been identified. The boundaries of this event are unknown as the deletion extends beyond the assayed region for this gene and therefore may encompass additional genes. This variant has not been reported in the literature in individuals with NEDD4L-related conditions. The current clinical and genetic evidence is not sufficient to establish whether loss-of-function variants in NEDD4L cause disease. In summary, the available evidence is currently insufficient to determine the role of this variant in disease. Therefore, it has been classified as a Variant of Uncertain Significance.

NC_000018.9:g.(?_55710610)_56069772del

Gene: NEDD4L (NEDD4 like E3 ubiquitin protein ligase; plus strand).
Variant type: Deletion.
Identifiers: ClinVar variation 1064272 (VCV001064272.2).